The following is an entry in ClinVar:

NM_021020.5(LZTS1):c.1454C>T (p.Ala485Val)

Gene: LZTS1 (leucine zipper tumor suppressor 1; minus strand). Cytogenetic location: 8p21.3.
Variant type: single nucleotide variant.
Coding change: c.1454C>T on transcript NM_021020.5 (MANE Select); coding-DNA position 1454, C replaced by T.
Protein change: p.Ala485Val; replaces alanine 485 with valine.
Molecular consequence: missense variant.
Genome position (GRCh38, 1-based): chr8:20,250,059, G>A on the plus strand (C>T on the coding strand, the complement: LZTS1 is on the minus strand). VCF-style: chr8-20250059-G-A. GRCh37 (hg19) VCF-style: chr8-20107570-G-A.
Other names: c.1454C>T, p.Ala485Val (NM_001362884.2); short protein forms A485V.
Identifiers: ClinVar variation 3638747 (VCV003638747.2).

ClinVar aggregate classification (germline): Uncertain significance (1 of 4 stars; one submission).

gnomAD v4.1: 2 of 1,607,618 alleles (0.00012%); highest among the groups gnomAD compares: Non-Finnish European, 0.00017%; no homozygotes.

Submission:

Labcorp Genetics (formerly Invitae), Labcorp
Classification: Uncertain significance. Last evaluated: 2024-02-11. Review status: criteria provided, single submitter. Criteria: Invitae Variant Classification Sherloc (09022015). Collection method: clinical testing. Allele origin: germline.
Comment: This sequence change replaces alanine, which is neutral and non-polar, with valine, which is neutral and non-polar, at codon 485 of the LZTS1 protein (p.Ala485Val). This variant is not present in population databases (gnomAD no frequency). This variant has not been reported in the literature in individuals affected with LZTS1-related conditions. Advanced modeling of protein sequence and biophysical properties (such as structural, functional, and spatial information, amino acid conservation, physicochemical variation, residue mobility, and thermodynamic stability) performed at Invitae indicates that this missense variant is not expected to disrupt LZTS1 protein function with a negative predictive value of 80%. In summary, the available evidence is currently insufficient to determine the role of this variant in disease. Therefore, it has been classified as a Variant of Uncertain Significance.